The following is an entry in ClinVar:

ClinVar aggregate classification (germline): Likely pathogenic (1 of 4 stars; one submission).

Conditions:
Polycystic kidney disease 4 (PKD4). Also called: POLYCYSTIC KIDNEY AND HEPATIC DISEASE 1; POLYCYSTIC KIDNEY DISEASE, INFANTILE, TYPE I; POLYCYSTIC KIDNEY DISEASE 4 WITH OR WITHOUT POLYCYSTIC LIVER DISEASE; PKD3; Autosomal Recessive Polycystic Kidney Disease – PKHD1. Identifiers: MedGen C4540575, MONDO:0033004, OMIM 263200.

Submission:

Myriad Genetics, Inc.
Classification: Likely pathogenic for Polycystic kidney disease 4. Last evaluated: 2022-02-20. Review status: criteria provided, single submitter. Criteria: Myriad Women's Health Autosomal Recessive and X-Linked Classification Criteria (2021). Collection method: clinical testing. Allele origin: unknown.
Comment: NM_138694.3(PKHD1):c.7060_7061delCA(Q2354Sfs*24) is expected to be pathogenic in the context of autosomal recessive polycystic kidney disease, PKHD1-related. This variant is predicted to lead to an abnormal or absent protein product due to the creation of a premature termination codon in PKHD1, a gene where loss-of-function variants are known to be pathogenic. Please note: this variant was assessed in the context of healthy population screening.

NM_138694.4(PKHD1):c.7060_7061del (p.Gln2354fs)

Gene: PKHD1 (PKHD1 ciliary IPT domain containing fibrocystin/polyductin; minus strand). Cytogenetic location: 6p12.2.
Variant type: Microsatellite.
Coding change: c.7060_7061del on transcript NM_138694.4 (MANE Select); coding-DNA positions 7060 to 7061, 2 bases deleted (CA; older notation c.7060_7061delCA).
Protein change: p.Gln2354fs; shifts the reading frame from glutamine 2354.
Molecular consequence: frameshift variant.
Genome position (GRCh38, 1-based): chr6:51,887,181-51,887,182, TG deleted on the plus strand (CA on the coding strand, the reverse complement: PKHD1 is on the minus strand); deleting any 2 consecutive bases within chr6:51,887,181-51,887,184 gives the same sequence; the c. name uses the placement nearest the transcript's 3' end. VCF-style (leftmost placement, unchanged base first): chr6-51887180-TTG-T. GRCh37 (hg19) VCF-style: chr6-51751978-TTG-T.
Other names: c.7060_7061del, p.Gln2354fs (NM_170724.3); short protein forms Q2354fs.
Identifiers: ClinVar variation 1724597 (VCV001724597.2), dbSNP rs2536252125, ClinGen allele CA2580617255.